The following is an entry in ClinVar:

ClinVar aggregate classification (germline): Uncertain significance. Review status: criteria provided, multiple submitters, no conflicts (2 of 4 stars). 2 submissions from 2 submitters: Uncertain significance (2). Last evaluated 2026-09-09.

Conditions:
BBS1-related disorder. Also called: BBS1-related condition.
Inborn genetic diseases. Identifiers: MedGen C0950123, MeSH D030342.

gnomAD v4.1: 14 of 1,614,028 alleles (0.00087%); highest among the groups gnomAD compares: Admixed American, 0.0017%; no homozygotes.

Submissions (2):

PreventionGenetics, part of Exact Sciences
Classification: Uncertain significance for BBS1-related condition. Last evaluated: 2026-09-09. Review status: criteria provided, single submitter. Criteria: ACMG Guidelines, 2015. Collection method: clinical testing. Allele origin: germline.
Comment: The BBS1 c.322T>G variant is predicted to result in the amino acid substitution p.Ser108Ala. To our knowledge, this variant has not been reported in the literature. This variant is reported in 0.0029% of alleles in individuals of Latino descent in gnomAD. At this time, the clinical significance of this variant is uncertain due to the absence of conclusive functional and genetic evidence.

Ambry Genetics
Classification: Uncertain significance for Inborn genetic diseases. Last evaluated: 2024-09-09. Review status: criteria provided, single submitter. Criteria: Ambry Variant Classification Scheme 2023. Collection method: clinical testing. Allele origin: germline.

NM_024649.5(BBS1):c.322T>G (p.Ser108Ala)

Gene: BBS1 (Bardet-Biedl syndrome 1; plus strand). Cytogenetic location: 11q13.2.
Variant type: single nucleotide variant.
Coding change: c.322T>G on transcript NM_024649.5 (MANE Select); coding-DNA position 322, T replaced by G.
Protein change: p.Ser108Ala; replaces serine 108 with alanine.
Molecular consequence: missense variant.
Genome position (GRCh38, 1-based): chr11:66,514,568, T>G. VCF-style: chr11-66514568-T-G. GRCh37 (hg19) VCF-style: chr11-66282039-T-G.
Other names: short protein forms S108A.
Identifiers: ClinVar variation 3479911 (VCV003479911.2).